The following is an entry in ClinVar:

NM_000138.5(FBN1):c.3082+4C>T

Gene: FBN1 (fibrillin 1; minus strand). Cytogenetic location: 15q21.1.
Variant type: single nucleotide variant.
Coding change: c.3082+4C>T on transcript NM_000138.5 (MANE Select); 4 bases into the intron after coding-DNA position 3082, C replaced by T.
Molecular consequence: intron variant.
Genome position (GRCh38, 1-based): chr15:48,489,847, G>A on the plus strand (C>T on the coding strand, the complement: FBN1 is on the minus strand). VCF-style: chr15-48489847-G-A. GRCh37 (hg19) VCF-style: chr15-48782044-G-A.
Identifiers: ClinVar variation 1332268 (VCV001332268.3), dbSNP rs2141297000, ClinGen allele CA2573054036.

ClinVar aggregate classification (germline): Uncertain significance. Review status: criteria provided, multiple submitters, no conflicts (2 of 4 stars). 2 submissions from 2 submitters: Uncertain significance (2). Last evaluated 2025-10-15.

Conditions:
Familial thoracic aortic aneurysm and aortic dissection (TAAD). Also called: Thoracic aortic aneurysms and dissections. Identifiers: Orphanet 91387, MedGen C4707243, MONDO:0019625.
Marfan syndrome (MFS). Also called: Marfan syndrome type 1; Marfan's syndrome; FBN1-Related Marfan Syndrome; MARFAN SYNDROME, TYPE I; Marfan syndrome, classic. Identifiers: Orphanet 284963, Orphanet 558, MedGen C0024796, MONDO:0007947, OMIM 154700.

Allele frequency attached by ClinVar (database versions not stated): gnomAD exomes below 0.00001.
gnomAD v4.1: 3 of 1,612,548 alleles (0.00019%); highest among the groups gnomAD compares: Non-Finnish European, 0.00025%; no homozygotes.

Submissions (2):

Labcorp Genetics (formerly Invitae), Labcorp
Classification: Uncertain significance for Marfan syndrome; Familial thoracic aortic aneurysm and aortic dissection. Last evaluated: 2025-10-15. Review status: criteria provided, single submitter. Criteria: Invitae Variant Classification Sherloc (09022015). Collection method: clinical testing. Allele origin: germline.
Comment: This sequence change falls in intron 25 of the FBN1 gene. It does not directly change the encoded amino acid sequence of the FBN1 protein. It affects a nucleotide within the consensus splice site. This variant is not present in population databases (gnomAD no frequency). This variant has not been reported in the literature in individuals affected with FBN1-related conditions. ClinVar contains an entry for this variant (Variation ID: 1332268). Variants that disrupt the consensus splice site are a relatively common cause of aberrant splicing (PMID: 17576681, 9536098). Algorithms developed to predict the effect of sequence changes on RNA splicing suggest that this variant is not likely to affect RNA splicing. In summary, the available evidence is currently insufficient to determine the role of this variant in disease. Therefore, it has been classified as a Variant of Uncertain Significance.

Color Diagnostics, LLC DBA Color Health
Classification: Uncertain significance for Familial thoracic aortic aneurysm and aortic dissection. Last evaluated: 2021-05-07. Review status: criteria provided, single submitter. Criteria: ACMG Guidelines, 2015. Collection method: clinical testing. Allele origin: germline.
Comment: This variant causes a C to T nucleotide substitution at the +4 position of intron 25 of the FBN1 gene. To our knowledge, functional studies have not been reported for this variant. This variant has not been reported in individuals affected with cardiovascular disorders in the literature. This variant has not been identified in the general population by the Genome Aggregation Database (gnomAD). The available evidence is insufficient to determine the role of this variant in disease conclusively. Therefore, this variant is classified as a Variant of Uncertain Significance.

Literature cited by the submitters: PubMed 17576681 (cited by Labcorp Genetics (formerly Invitae), Labcorp); PubMed 9536098 (cited by Labcorp Genetics (formerly Invitae), Labcorp).